The following is an entry in ClinVar:

ClinVar aggregate classification (germline): Uncertain significance (1 of 4 stars; one submission).

gnomAD v4.1: 1 of 1,613,450 alleles (0.000062%); highest among the groups gnomAD compares: East Asian, 0.0022%; no homozygotes.

Submission:

Labcorp Genetics (formerly Invitae), Labcorp
Classification: Uncertain significance. Last evaluated: 2025-09-14. Review status: criteria provided, single submitter. Criteria: Invitae Variant Classification Sherloc (09022015). Collection method: clinical testing. Allele origin: germline.
Comment: This sequence change replaces glutamic acid, which is acidic and polar, with lysine, which is basic and polar, at codon 320 of the CEP97 protein (p.Glu320Lys). This variant is not present in population databases (gnomAD no frequency). This variant has not been reported in the literature in individuals affected with CEP97-related conditions. Invitae Evidence Modeling of protein sequence and biophysical properties (such as structural, functional, and spatial information, amino acid conservation, physicochemical variation, residue mobility, and thermodynamic stability) indicates that this missense variant is not expected to disrupt CEP97 protein function with a negative predictive value of 80%. In summary, the available evidence is currently insufficient to determine the role of this variant in disease. Therefore, it has been classified as a Variant of Uncertain Significance.

NM_024548.4(CEP97):c.958G>A (p.Glu320Lys)

Gene: CEP97 (centrosomal protein 97; plus strand). Cytogenetic location: 3q12.3.
Variant type: single nucleotide variant.
Coding change: c.958G>A on transcript NM_024548.4 (MANE Select); coding-DNA position 958, G replaced by A.
Protein change: p.Glu320Lys; replaces glutamic acid 320 with lysine.
Molecular consequence: missense variant.
Genome position (GRCh38, 1-based): chr3:101,757,127, G>A. VCF-style: chr3-101757127-G-A. GRCh37 (hg19) VCF-style: chr3-101475971-G-A.
Other names: c.958G>A, p.Glu320Lys (NM_001303401.2); c.856G>A, p.Glu286Lys (NM_001410784.1, NM_001410785.1); short protein forms E286K, E320K.
Identifiers: ClinVar variation 4799221 (VCV004799221.1).